The following is an entry in ClinVar:

ClinVar aggregate classification (germline): Uncertain significance (1 of 4 stars; one submission).

Conditions:
Hereditary cancer-predisposing syndrome. Also called: Tumor predisposition; Hereditary neoplastic syndrome; Hereditary Cancer Syndrome; Neoplastic Syndromes, Hereditary. Identifiers: Orphanet 140162, MedGen C0027672, MeSH D009386, MONDO:0015356.

Submission:

Ambry Genetics
Classification: Uncertain significance for Hereditary cancer-predisposing syndrome. Last evaluated: 2024-02-24. Review status: criteria provided, single submitter. Criteria: Ambry Variant Classification Scheme 2023. Collection method: clinical testing. Allele origin: germline.
Comment: The p.S260L variant (also known as c.779C>T), located in coding exon 7 of the EPCAM gene, results from a C to T substitution at nucleotide position 779. The serine at codon 260 is replaced by leucine, an amino acid with dissimilar properties. This amino acid position is conserved. In addition, the in silico prediction for this alteration is inconclusive. Based on the available evidence, the clinical significance of this alteration remains unclear.

NM_002354.3(EPCAM):c.779C>T (p.Ser260Leu)

Gene: EPCAM (epithelial cell adhesion molecule; plus strand). Cytogenetic location: 2p21.
Variant type: single nucleotide variant.
Coding change: c.779C>T on transcript NM_002354.3 (MANE Select); coding-DNA position 779, C replaced by T.
Protein change: p.Ser260Leu; replaces serine 260 with leucine.
Molecular consequence: missense variant.
Genome position (GRCh38, 1-based): chr2:47,379,890, C>T. VCF-style: chr2-47379890-C-T. GRCh37 (hg19) VCF-style: chr2-47607029-C-T.
Other names: short protein forms S260L.
Identifiers: ClinVar variation 3222138 (VCV003222138.1), dbSNP rs2103759193, ClinGen allele CA346724739.